The following is an entry in ClinVar:

ClinVar aggregate classification (germline): Uncertain significance (1 of 4 stars; one submission).

Submission:

Labcorp Genetics (formerly Invitae), Labcorp
Classification: Uncertain significance. Last evaluated: 2024-05-12. Review status: criteria provided, single submitter. Criteria: Invitae Variant Classification Sherloc (09022015). Collection method: clinical testing. Allele origin: germline.
Comment: This sequence change replaces threonine, which is neutral and polar, with serine, which is neutral and polar, at codon 84 of the KIF23 protein (p.Thr84Ser). This variant is not present in population databases (gnomAD no frequency). This variant has not been reported in the literature in individuals affected with KIF23-related conditions. Advanced modeling of protein sequence and biophysical properties (such as structural, functional, and spatial information, amino acid conservation, physicochemical variation, residue mobility, and thermodynamic stability) performed at Invitae indicates that this missense variant is not expected to disrupt KIF23 protein function with a negative predictive value of 80%. In summary, the available evidence is currently insufficient to determine the role of this variant in disease. Therefore, it has been classified as a Variant of Uncertain Significance.

NM_001367805.3(KIF23):c.250A>T (p.Thr84Ser)

Gene: KIF23 (kinesin family member 23; plus strand). Cytogenetic location: 15q23.
Variant type: single nucleotide variant.
Coding change: c.250A>T on transcript NM_001367805.3 (MANE Select); coding-DNA position 250, A replaced by T.
Protein change: p.Thr84Ser; replaces threonine 84 with serine.
Molecular consequence: missense variant. On other transcripts: synonymous variant (1), non-coding transcript variant (2).
Genome position (GRCh38, 1-based): chr15:69,421,686, A>T. VCF-style: chr15-69421686-A-T. GRCh37 (hg19) VCF-style: chr15-69714025-A-T.
Other names: c.57A>T, p.Pro19= (NM_001281301.2); c.250A>T, p.Thr84Ser (NM_001367804.2, NM_004856.7, NM_138555.4); short protein forms T84S.
Identifiers: ClinVar variation 3616088 (VCV003616088.2).